The following is an entry in ClinVar:

ClinVar aggregate classification (germline): Likely benign (1 of 4 stars; one submission).

Allele frequency attached by ClinVar (database versions not stated): TOPMed 0.00006; gnomAD 0.00007; ESP Exome Variant Server 0.00016.
gnomAD v4.1: 118 of 1,613,994 alleles (0.0073%); highest among the groups gnomAD compares: Middle Eastern, 0.033%; 1 homozygote.

Submission:

CeGaT Center for Human Genetics Tuebingen
Classification: Likely benign. Last evaluated: 2023-02-01. Review status: criteria provided, single submitter. Criteria: CeGaT Center For Human Genetics Tuebingen Variant Classification Criteria Version 2. Collection method: clinical testing. Allele origin: germline. Affected: yes. Observed: 1 variant allele.
Comment: COL23A1: BP4, BP7

NM_173465.4(COL23A1):c.1422C>T (p.Pro474=)

Gene: COL23A1 (collagen type XXIII alpha 1 chain; minus strand). Cytogenetic location: 5q35.3.
Variant type: single nucleotide variant.
Coding change: c.1422C>T on transcript NM_173465.4 (MANE Select); coding-DNA position 1422, C replaced by T.
Protein change: p.Pro474=; no amino-acid change (proline 474 retained).
Molecular consequence: synonymous variant.
Genome position (GRCh38, 1-based): chr5:178,245,960, G>A on the plus strand (C>T on the coding strand, the complement: COL23A1 is on the minus strand). VCF-style: chr5-178245960-G-A. GRCh37 (hg19) VCF-style: chr5-177672961-G-A.
Identifiers: ClinVar variation 2656126 (VCV002656126.24), dbSNP rs371729880, ClinGen allele CA3590742.